The following is an entry in ClinVar:

NM_001270508.2(TNFAIP3):c.365T>C (p.Leu122Pro)

Gene: TNFAIP3 (TNF alpha induced protein 3; plus strand). Cytogenetic location: 6q23.3.
Variant type: single nucleotide variant.
Coding change: c.365T>C on transcript NM_001270508.2 (MANE Select); coding-DNA position 365, T replaced by C.
Protein change: p.Leu122Pro; replaces leucine 122 with proline.
Molecular consequence: missense variant.
Genome position (GRCh38, 1-based): chr6:137,874,914, T>C. VCF-style: chr6-137874914-T-C. GRCh37 (hg19) VCF-style: chr6-138196051-T-C.
Other names: c.365T>C, p.Leu122Pro (NM_001270507.2, NM_006290.4); short protein forms L122P.
Identifiers: ClinVar variation 4077216 (VCV004077216.1).

ClinVar aggregate classification (germline): Uncertain significance (1 of 4 stars; one submission).

Submission:

GeneDx
Classification: Uncertain significance. Last evaluated: 2025-02-26. Review status: criteria provided, single submitter. Criteria: GeneDx Variant Classification Process June 2021. Collection method: clinical testing. Allele origin: germline. Affected: yes.
Comment: Not observed at significant frequency in large population cohorts (gnomAD); In silico analysis supports that this missense variant has a deleterious effect on protein structure/function; Has not been previously published as pathogenic or benign to our knowledge